The following is an entry in ClinVar:

NM_000540.3(RYR1):c.13591C>T (p.Pro4531Ser)

Gene: RYR1 (ryanodine receptor 1; plus strand). Cytogenetic location: 19q13.2.
Variant type: single nucleotide variant.
Coding change: c.13591C>T on transcript NM_000540.3 (MANE Select); coding-DNA position 13591, C replaced by T.
Protein change: p.Pro4531Ser; replaces proline 4531 with serine.
Molecular consequence: missense variant.
Genome position (GRCh38, 1-based): chr19:38,567,849, C>T. VCF-style: chr19-38567849-C-T. GRCh37 (hg19) VCF-style: chr19-39058489-C-T.
Other names: c.13576C>T, p.Pro4526Ser (NM_001042723.2); short protein forms P4526S, P4531S.
Identifiers: ClinVar variation 3070609 (VCV003070609.1), dbSNP rs2514694349, ClinGen allele CA080941.
Genomic context (GRCh38, chr19:38,567,849, plus strand): 5'-AAGGAAGAAGTTCCCGAGCCCACACCAGAGCCCCCCAAGAAGCAAGCACCTCCCTCACCC[C>T]CTCCAAAGAAGGAGGAAGCTGGAGGCGAATTCTGGGGAGAACTGGAGGTGCAGAGGGTGA-3'
Protein context (NP_000531.2, residues 4521-4541): PPKKQAPPSP[Pro4531Ser]PKKEEAGGEF

ClinVar aggregate classification (germline): Uncertain significance (1 of 4 stars; one submission).

Conditions:
Malignant hyperthermia, susceptibility to, 1 (MHS1). Also called: Anesthesia related hyperthermia; Malignant hyperpyrexia; Fulminating hyperpyrexia; Pharmacogenic myopathy; RYR1-Related Malignant Hyperthermia Susceptibility; Malignant hyperthermia suceptibility 1. Identifiers: Orphanet 423, MedGen C2930980, MONDO:0007783, OMIM 145600.

Submission:

All of Us Research Program, National Institutes of Health
Classification: Uncertain significance for Malignant hyperthermia, susceptibility to, 1. Last evaluated: 2023-08-15. Review status: criteria provided, single submitter. Criteria: ACMG Guidelines, 2015. Collection method: clinical testing. Allele origin: germline. Inheritance: Autosomal dominant inheritance. Observed: 2 variant alleles, 2 heterozygotes.
Comment: This study involves interpretation of variants in research participants for the purpose of population health screening. Participant phenotype was not available at the time of variant classification. Additional details can be found in publication PMID: 35346344, PMCID: PMC8962531